The following is an entry in ClinVar:

NM_000447.3(PSEN2):c.710C>T (p.Ala237Val)

Gene: PSEN2 (presenilin 2; plus strand). Cytogenetic location: 1q42.13.
Variant type: single nucleotide variant.
Coding change: c.710C>T on transcript NM_000447.3 (MANE Select); coding-DNA position 710, C replaced by T.
Protein change: p.Ala237Val; replaces alanine 237 with valine.
Molecular consequence: missense variant.
Genome position (GRCh38, 1-based): chr1:226,888,972, C>T. VCF-style: chr1-226888972-C-T. GRCh37 (hg19) VCF-style: chr1-227076673-C-T.
Other names: c.710C>T, p.Ala237Val (NM_012486.3); short protein forms A237V.
Identifiers: ClinVar variation 191772 (VCV000191772.3), dbSNP rs200670135, ClinGen allele CA237505.

ClinVar aggregate classification (germline): Uncertain significance. Review status: criteria provided, multiple submitters, no conflicts (2 of 4 stars). 2 submissions from 2 submitters: Uncertain significance (2). Last evaluated 2025-04-09.

Allele frequency attached by ClinVar (database versions not stated): gnomAD 0.00001; TOPMed 0.00002; gnomAD exomes 0.00005; ExAC 0.00006.
gnomAD v4.1: 37 of 1,614,026 alleles (0.0023%); highest among the groups gnomAD compares: East Asian, 0.013%; no homozygotes.

Submissions (2):

Women's Health and Genetics/Laboratory Corporation of America, LabCorp
Classification: Uncertain significance. Last evaluated: 2025-04-09. Review status: criteria provided, single submitter. Criteria: LabCorp Variant Classification Summary - May 2015. Collection method: clinical testing. Allele origin: germline.
Comment: Variant summary: PSEN2 c.710C>T (p.Ala237Val) results in a non-conservative amino acid change in the encoded protein sequence. Four of five in-silico tools predict a damaging effect of the variant on protein function. The variant allele was found at a frequency of 5.2e-05 in 251378 control chromosomes (gnomAD). This frequency is not significantly higher than estimated for a pathogenic variant in PSEN2 causing Alzheimer Disease 4, allowing no conclusion about variant significance. c.710C>T has been reported in the literature in individuals affected with Alzheimer Disease (Sassi_2014). The report does not provide unequivocal conclusions about association of the variant with Alzheimer Disease 4. To our knowledge, no experimental evidence demonstrating an impact on protein function has been reported. The following publications have been ascertained in the context of this evaluation (PMID: 30279455, 25104557). ClinVar contains an entry for this variant (Variation ID: 191772). Based on the evidence outlined above, the variant was classified as uncertain significance.

Biesecker Lab/Clinical Genomics Section, National Institutes of Health
Classification: Uncertain significance. Last evaluated: 2013-06-24. Review status: criteria provided, single submitter. Criteria: Ng et al. (Circ Cardiovasc Genet. 2013). Collection method: research. Allele origin: unknown. Observed: 1 variant allele. Study: ClinSeq.
Comment: The study set was not selected for affection status in relation to any cancer. Pathogenicity categories were based on literature curation. See Pubmed ID:23861362 for details.

Medical sequencing

Literature cited by the submitters: PubMed 30279455 (cited by Women's Health and Genetics/Laboratory Corporation of America, LabCorp); PubMed 25104557 (cited by Women's Health and Genetics/Laboratory Corporation of America, LabCorp).